The following is an entry in ClinVar:

ClinVar aggregate classification (germline): Likely benign (0 of 4 stars; one submission).

Conditions:
EVA1A-related disorder. Also called: EVA1A-related condition.

Allele frequency attached by ClinVar (database versions not stated): ExAC 0.00001; gnomAD 0.00001.

Submission:

PreventionGenetics, part of Exact Sciences
Classification: Likely benign for EVA1A-related condition. Last evaluated: 2021-05-18. Review status: no assertion criteria provided. Collection method: clinical testing. Allele origin: germline.
Comment: This variant is classified as likely benign based on ACMG/AMP sequence variant interpretation guidelines (Richards et al. 2015 PMID: 25741868, with internal and published modifications).

NM_001135032.2(EVA1A):c.297A>G (p.Arg99=)

Gene: EVA1A (eva-1 homolog A, regulator of programmed cell death; minus strand). Cytogenetic location: 2p12.
Variant type: single nucleotide variant.
Coding change: c.297A>G on transcript NM_001135032.2 (MANE Select); coding-DNA position 297, A replaced by G.
Protein change: p.Arg99=; no amino-acid change (arginine 99 retained).
Molecular consequence: synonymous variant.
Genome position (GRCh38, 1-based): chr2:75,493,398, T>C on the plus strand (A>G on the coding strand, the complement: EVA1A is on the minus strand). VCF-style: chr2-75493398-T-C. GRCh37 (hg19) VCF-style: chr2-75720524-T-C.
Other names: c.297A>G, p.Arg99= (NM_001369524.1, NM_001369525.1, NM_032181.3).
Identifiers: ClinVar variation 3056061 (VCV003056061.2), dbSNP rs778586262, ClinGen allele CA1732357.